The following is an entry in ClinVar:

ClinVar aggregate classification (germline): Uncertain significance (1 of 4 stars; one submission).

Conditions:
Noonan syndrome 9 (NS9). Identifiers: Orphanet 648, MedGen C4225282, MONDO:0014691, OMIM 616559.

Submission:

Labcorp Genetics (formerly Invitae), Labcorp
Classification: Uncertain significance for Noonan syndrome 9. Last evaluated: 2020-09-04. Review status: criteria provided, single submitter. Criteria: Invitae Variant Classification Sherloc (09022015). Collection method: clinical testing. Allele origin: germline.
Comment: This variant has not been reported in the literature in individuals with SOS2-related conditions. In summary, the available evidence is currently insufficient to determine the role of this variant in disease. Therefore, it has been classified as a Variant of Uncertain Significance. Algorithms developed to predict the effect of missense changes on protein structure and function (SIFT, PolyPhen-2, Align-GVGD) all suggest that this variant is likely to be disruptive, but these predictions have not been confirmed by published functional studies and their clinical significance is uncertain. This variant is not present in population databases (ExAC no frequency). This sequence change replaces proline with alanine at codon 994 of the SOS2 protein (p.Pro994Ala). The proline residue is highly conserved and there is a small physicochemical difference between proline and alanine.

NM_006939.4(SOS2):c.2980C>G (p.Pro994Ala)

Gene: SOS2 (SOS Ras/Rho guanine nucleotide exchange factor 2; minus strand). Cytogenetic location: 14q21.3.
Variant type: single nucleotide variant.
Coding change: c.2980C>G on transcript NM_006939.4 (MANE Select); coding-DNA position 2980, C replaced by G.
Protein change: p.Pro994Ala; replaces proline 994 with alanine.
Molecular consequence: missense variant.
Genome position (GRCh38, 1-based): chr14:50,134,218, G>C on the plus strand (C>G on the coding strand, the complement: SOS2 is on the minus strand). VCF-style: chr14-50134218-G-C. GRCh37 (hg19) VCF-style: chr14-50600936-G-C.
Other names: short protein forms P994A.
Identifiers: ClinVar variation 1009985 (VCV001009985.8), dbSNP rs1883999639, ClinGen allele CA389641891.
Genomic context (GRCh38, chr14:50,134,218, plus strand): 5'-TTTCTAGTGACTTGTTGAACAAATAATCTGTAAACTCTTTTTCAGATGCACTTCCCATGG[G>C]GTTAAGGTTTTCAAAGAATCTCTGGAATTAAACAAATAACACAAGTGCATATATAGTAAG-3'
Protein context (NP_008870.2, residues 984-1004): DMRRFFENLN[Pro994Ala]MGSASEKEFT